The following is an entry in ClinVar:

ClinVar aggregate classification (germline): Uncertain significance. Review status: criteria provided, multiple submitters, no conflicts (2 of 4 stars). 3 submissions from 3 submitters: Uncertain significance (3). Last evaluated 2024-11-25.

Conditions:
Ehlers-Danlos syndrome, spondylodysplastic type, 3. Also called: Ehlers-Danlos syndrome, spondylocheirodysplastic type. Identifiers: Orphanet 157965, MedGen C2676510, MONDO:0012873, OMIM 612350.

Allele frequency attached by ClinVar (database versions not stated): gnomAD exomes below 0.00001; ExAC 0.00001.

Submissions (3):

Women's Health and Genetics/Laboratory Corporation of America, LabCorp
Classification: Uncertain significance. Last evaluated: 2024-11-25. Review status: criteria provided, single submitter. Criteria: LabCorp Variant Classification Summary - May 2015. Collection method: clinical testing. Allele origin: germline.
Comment: Variant summary: SLC39A13 c.86G>A (p.Arg29Lys) results in a conservative amino acid change in the encoded protein sequence. Five of five in-silico tools predict a benign effect of the variant on protein function. The variant allele was found at a frequency of 4e-06 in 249004 control chromosomes. The available data on variant occurrences in the general population are insufficient to allow any conclusion about variant significance. To our knowledge, no occurrence of c.86G>A in individuals affected with Ehlers-Danlos syndrome, spondylocheirodysplastic type and no experimental evidence demonstrating its impact on protein function have been reported. ClinVar contains an entry for this variant (Variation ID: 1410682). Based on the evidence outlined above, the variant was classified as uncertain significance.

Labcorp Genetics (formerly Invitae), Labcorp
Classification: Uncertain significance for Ehlers-Danlos syndrome, spondylodysplastic type, 3. Last evaluated: 2024-10-21. Review status: criteria provided, single submitter. Criteria: Invitae Variant Classification Sherloc (09022015). Collection method: clinical testing. Allele origin: germline.
Comment: This sequence change replaces arginine, which is basic and polar, with lysine, which is basic and polar, at codon 29 of the SLC39A13 protein (p.Arg29Lys). This variant is present in population databases (rs751210151, gnomAD 0.0009%). This variant has not been reported in the literature in individuals affected with SLC39A13-related conditions. ClinVar contains an entry for this variant (Variation ID: 1410682). An algorithm developed to predict the effect of missense changes on protein structure and function (PolyPhen-2) suggests that this variant¬†is likely to be tolerated. In summary, the available evidence is currently insufficient to determine the role of this variant in disease. Therefore, it has been classified as a Variant of Uncertain Significance.

CeGaT Center for Human Genetics Tuebingen
Classification: Uncertain significance. Last evaluated: 2024-10-01. Review status: criteria provided, single submitter. Criteria: CeGaT Center For Human Genetics Tuebingen Variant Classification Criteria Version 2. Collection method: clinical testing. Allele origin: germline. Affected: yes. Observed: 1 variant allele.
Comment: SLC39A13: PM2, BP4

NM_001128225.3(SLC39A13):c.86G>A (p.Arg29Lys)

Gene: SLC39A13 (solute carrier family 39 member 13; plus strand). Cytogenetic location: 11p11.2.
Variant type: single nucleotide variant.
Coding change: c.86G>A on transcript NM_001128225.3 (MANE Select); coding-DNA position 86, G replaced by A.
Protein change: p.Arg29Lys; replaces arginine 29 with lysine.
Molecular consequence: missense variant. On other transcripts: non-coding transcript variant (1).
Genome position (GRCh38, 1-based): chr11:47,410,180, G>A. VCF-style: chr11-47410180-G-A. GRCh37 (hg19) VCF-style: chr11-47431731-G-A.
Other names: c.86G>A, p.Arg29Lys (NM_001330245.2, NM_152264.5); short protein forms R29K.
Identifiers: ClinVar variation 1410682 (VCV001410682.21), dbSNP rs751210151, ClinGen allele CA5975659.